The following is an entry in ClinVar:

ClinVar aggregate classification (germline): Uncertain significance (1 of 4 stars; one submission).

Conditions:
Autosomal dominant nonsyndromic hearing loss 65. Also called: Deafness, autosomal dominant 65; TBC1D24-Related Autosomal Dominant Nonsyndromic Hearing Loss (DFNA). Identifiers: Orphanet 90635, MedGen C3892048, MONDO:0014470, OMIM 616044.
Developmental and epileptic encephalopathy, 1 (DEE1). Also called: INFANTILE SPASM SYNDROME, X-LINKED 1; X-linked infantile spasms; West's syndrome; Tonic spasms with clustering, arrest of psychomotor development and hypsarrhythmia on EEG; X-Linked Infantile Spasm Syndrome; OHTAHARA SYNDROME, X-LINKED. Identifiers: MedGen C3463992, MONDO:0010632, OMIM 308350. Disease mechanism: loss of function.

Submission:

Labcorp Genetics (formerly Invitae), Labcorp
Classification: Uncertain significance for Developmental and epileptic encephalopathy, 1; Autosomal dominant nonsyndromic hearing loss 65. Last evaluated: 2024-12-15. Review status: criteria provided, single submitter. Criteria: Invitae Variant Classification Sherloc (09022015). Collection method: clinical testing. Allele origin: germline.
Comment: This sequence change replaces serine, which is neutral and polar, with arginine, which is basic and polar, at codon 75 of the TBC1D24 protein (p.Ser75Arg). This variant is present in population databases (no rsID available, gnomAD 0.0009%). This variant has not been reported in the literature in individuals affected with TBC1D24-related conditions. Invitae Evidence Modeling of protein sequence and biophysical properties (such as structural, functional, and spatial information, amino acid conservation, physicochemical variation, residue mobility, and thermodynamic stability) indicates that this missense variant is not expected to disrupt TBC1D24 protein function with a negative predictive value of 95%. In summary, the available evidence is currently insufficient to determine the role of this variant in disease. Therefore, it has been classified as a Variant of Uncertain Significance.

NM_001199107.2(TBC1D24):c.225C>A (p.Ser75Arg)

Gene: TBC1D24 (TBC1 domain family member 24; plus strand). Cytogenetic location: 16p13.3.
Variant type: single nucleotide variant.
Coding change: c.225C>A on transcript NM_001199107.2 (MANE Select); coding-DNA position 225, C replaced by A.
Protein change: p.Ser75Arg; replaces serine 75 with arginine.
Molecular consequence: missense variant.
Genome position (GRCh38, 1-based): chr16:2,496,373, C>A. VCF-style: chr16-2496373-C-A. GRCh37 (hg19) VCF-style: chr16-2546374-C-A.
Other names: c.225C>A, p.Ser75Arg (NM_020705.3); short protein forms S75R.
Identifiers: ClinVar variation 3762351 (VCV003762351.2).